The following is an entry in ClinVar:

ClinVar aggregate classification (germline): Uncertain significance (1 of 4 stars; one submission).

Conditions:
UCP3-related disorder. Also called: UCP3-related condition.

gnomAD v4.1: 1 of 1,613,082 alleles (0.000062%); no homozygotes.

Submission:

PreventionGenetics, part of Exact Sciences
Classification: Uncertain significance for UCP3-related condition. Last evaluated: 2024-10-25. Review status: criteria provided, single submitter. Criteria: ACMG Guidelines, 2015. Collection method: clinical testing. Allele origin: germline.
Comment: The UCP3 c.542-2A>G variant is predicted to disrupt the AG splice acceptor site and interfere with normal splicing. To our knowledge, this variant has not been reported in the literature. This variant is reported in 0.00088% of alleles in individuals of European (Non-Finnish) descent in gnomAD. Loss-of-function is not a conclusively established mechanism for UCP3-related disease and only a few protein truncating and splice variants have been reported to date (Argyropoulos et al. 1998. PubMed ID: 9769326). At this time, the clinical significance of this variant is uncertain due to the absence of conclusive functional and genetic evidence.

NM_003356.4(UCP3):c.542-2A>G

Genes: UCP3 (uncoupling protein 3; minus strand), LOC126861261 (MED14-independent group 3 enhancer GRCh37_chr11:73715060-73716259; plus strand). Cytogenetic location: 11q13.4.
Variant type: single nucleotide variant.
Coding change: c.542-2A>G on transcript NM_003356.4 (MANE Select); the canonical splice acceptor site of the intron before coding-DNA position 542, A replaced by G.
Molecular consequence: splice acceptor variant.
Genome position (GRCh38, 1-based): chr11:74,004,587, T>C on the plus strand (A>G on the coding strand, the complement: UCP3 is on the minus strand). VCF-style: chr11-74004587-T-C. GRCh37 (hg19) VCF-style: chr11-73715632-T-C.
Other names: c.542-2A>G (NM_022803.3).
Identifiers: ClinVar variation 4997697 (VCV004997697.1).